The following is an entry in ClinVar:

ClinVar aggregate classification (germline): Uncertain significance. Review status: criteria provided, multiple submitters, no conflicts (2 of 4 stars). 3 submissions from 3 submitters: Uncertain significance (2). 1 of the submissions does not count toward it. Last evaluated 2024-12-24.

Conditions:
Meckel-Gruber syndrome. Also called: GRUBER SYNDROME; DYSENCEPHALIA SPLANCHNOCYSTICA; Dysencephalia splachnocystica. Identifiers: Orphanet 564, MedGen C0265215, MONDO:0018921.
Joubert syndrome. Also called: JOUBERT-BOLTSHAUSER SYNDROME; Familial aplasia of the vermis. Identifiers: Orphanet 475, MedGen C5979921, MONDO:0018772.
Nephronophthisis. Also called: Juvenile Nephronophthisis. Identifiers: Orphanet 655, MedGen C0687120, MONDO:0019005, HP:0000090.
CEP290-related disorder. Also called: CEP290-related condition; CEP290-related disorders. Identifiers: MedGen CN239314.

Allele frequency attached by ClinVar (database versions not stated): ExAC 0.00004.

Submissions (3):

Labcorp Genetics (formerly Invitae), Labcorp
Classification: Uncertain significance for Joubert syndrome; Meckel-Gruber syndrome; Nephronophthisis. Last evaluated: 2024-12-24. Review status: criteria provided, single submitter. Criteria: Invitae Variant Classification Sherloc (09022015). Collection method: clinical testing. Allele origin: germline.
Comment: This sequence change replaces alanine, which is neutral and non-polar, with threonine, which is neutral and polar, at codon 2356 of the CEP290 protein (p.Ala2356Thr). This variant is not present in population databases (gnomAD no frequency). This variant has not been reported in the literature in individuals affected with CEP290-related conditions. ClinVar contains an entry for this variant (Variation ID: 1974237). An algorithm developed to predict the effect of missense changes on protein structure and function (PolyPhen-2) suggests that this variant is likely to be tolerated. In summary, the available evidence is currently insufficient to determine the role of this variant in disease. Therefore, it has been classified as a Variant of Uncertain Significance.

Blueprint Genetics
Classification: Uncertain significance. Last evaluated: 2019-05-16. Review status: criteria provided, single submitter. Criteria: ACMG Guidelines, 2015. Collection method: clinical testing. Allele origin: germline.

PreventionGenetics, part of Exact Sciences
Classification: Uncertain significance for CEP290-related condition. Last evaluated: 2024-06-18. Review status: no assertion criteria provided. Collection method: clinical testing. Allele origin: germline. Not counted in ClinVar's aggregate classification.
Comment: The CEP290 c.7066G>A variant is predicted to result in the amino acid substitution p.Ala2356Thr. To our knowledge, this variant has not been reported in the literature. This variant is reported in 0.0014% of alleles in individuals of European (Non-Finnish) descent in gnomAD. At this time, the clinical significance of this variant is uncertain due to the absence of conclusive functional and genetic evidence.

NM_025114.4(CEP290):c.7066G>A (p.Ala2356Thr)

Gene: CEP290 (centrosomal protein 290; minus strand). Cytogenetic location: 12q21.32.
Variant type: single nucleotide variant.
Coding change: c.7066G>A on transcript NM_025114.4 (MANE Select); coding-DNA position 7066, G replaced by A.
Protein change: p.Ala2356Thr; replaces alanine 2356 with threonine.
Molecular consequence: missense variant.
Genome position (GRCh38, 1-based): chr12:88,053,715, C>T on the plus strand (G>A on the coding strand, the complement: CEP290 is on the minus strand). VCF-style: chr12-88053715-C-T. GRCh37 (hg19) VCF-style: chr12-88447492-C-T.
Other names: c.7066G>A (NM_025114.3); short protein forms A2356T.
Identifiers: ClinVar variation 1974237 (VCV001974237.6), dbSNP rs767697315, ClinGen allele CA6711361.